The following is an entry in ClinVar:

ClinVar aggregate classification (germline): Uncertain significance (1 of 4 stars; one submission).

Allele frequency attached by ClinVar (database versions not stated): TOPMed below 0.00001.

Submission:

Labcorp Genetics (formerly Invitae), Labcorp
Classification: Uncertain significance. Last evaluated: 2022-02-03. Review status: criteria provided, single submitter. Criteria: Invitae Variant Classification Sherloc (09022015). Collection method: clinical testing. Allele origin: germline.
Comment: This variant is not present in population databases (gnomAD no frequency). This sequence change replaces tyrosine, which is neutral and polar, with histidine, which is basic and polar, at codon 408 of the HMCN1 protein (p.Tyr408His). Algorithms developed to predict the effect of missense changes on protein structure and function are either unavailable or do not agree on the potential impact of this missense change (SIFT: "Deleterious"; PolyPhen-2: "Probably Damaging"; Align-GVGD: "Class C0"). In summary, the available evidence is currently insufficient to determine the role of this variant in disease. Therefore, it has been classified as a Variant of Uncertain Significance. This variant has not been reported in the literature in individuals affected with HMCN1-related conditions.

NM_031935.3(HMCN1):c.1222T>C (p.Tyr408His)

Gene: HMCN1 (hemicentin 1; plus strand). Cytogenetic location: 1q31.1.
Variant type: single nucleotide variant.
Coding change: c.1222T>C on transcript NM_031935.3 (MANE Select); coding-DNA position 1222, T replaced by C.
Protein change: p.Tyr408His; replaces tyrosine 408 with histidine.
Molecular consequence: missense variant.
Genome position (GRCh38, 1-based): chr1:185,923,590, T>C. VCF-style: chr1-185923590-T-C. GRCh37 (hg19) VCF-style: chr1-185892722-T-C.
Other names: short protein forms Y408H.
Identifiers: ClinVar variation 2092274 (VCV002092274.4), dbSNP rs1667107542, ClinGen allele CA343894178.